The following is an entry in ClinVar:

ClinVar aggregate classification (germline): Uncertain significance. Review status: criteria provided, multiple submitters, no conflicts (2 of 4 stars). 4 submissions from 4 submitters: Uncertain significance (4). Last evaluated 2025-12-24.

Conditions:
Metaphyseal anadysplasia 2 (MANDP2). Also called: Metaphyseal anadysplasia 2, autosomal recessive. Identifiers: Orphanet 1040, MedGen C2751322, MONDO:0013113, OMIM 613073.

Allele frequency attached by ClinVar (database versions not stated): TOPMed 0.00015; gnomAD exomes 0.00016 and 0.00019; ExAC 0.00017; gnomAD 0.00017 and 0.00018; ESP Exome Variant Server 0.00023.
gnomAD v4.1: 259 of 1,613,550 alleles (0.016%); highest among the groups gnomAD compares: Middle Eastern, 0.12%; 1 homozygote.

Submissions (4):

Labcorp Genetics (formerly Invitae), Labcorp
Classification: Uncertain significance. Last evaluated: 2025-12-24. Review status: criteria provided, single submitter. Criteria: Invitae Variant Classification Sherloc (09022015). Collection method: clinical testing. Allele origin: germline.
Comment: This sequence change replaces isoleucine, which is neutral and non-polar, with asparagine, which is neutral and polar, at codon 293 of the MMP9 protein (p.Ile293Asn). This variant is present in population databases (rs201975453, gnomAD 0.09%), and has an allele count higher than expected for a pathogenic variant. This variant has not been reported in the literature in individuals affected with MMP9-related conditions. ClinVar contains an entry for this variant (Variation ID: 338551). Invitae Evidence Modeling of protein sequence and biophysical properties (such as structural, functional, and spatial information, amino acid conservation, physicochemical variation, residue mobility, and thermodynamic stability) indicates that this missense variant is not expected to disrupt MMP9 protein function with a negative predictive value of 80%. In summary, the available evidence is currently insufficient to determine the role of this variant in disease. Therefore, it has been classified as a Variant of Uncertain Significance.

Blueprint Genetics
Classification: Uncertain significance. Last evaluated: 2024-11-07. Review status: criteria provided, single submitter. Criteria: ACMG Guidelines, 2015. Collection method: clinical testing. Allele origin: germline.

Illumina Laboratory Services, Illumina
Classification: Uncertain significance for Metaphyseal anadysplasia 2. Last evaluated: 2018-01-13. Review status: criteria provided, single submitter. Criteria: ICSL Variant Classification Criteria 13 December 2019. Collection method: clinical testing. Allele origin: germline.

Eurofins Ntd Llc (ga)
Classification: Uncertain significance. Last evaluated: 2017-09-18. Review status: criteria provided, single submitter. Criteria: EGL Classification Definitions 2015. Collection method: clinical testing. Allele origin: germline. Observed: 1 variant allele, 1 heterozygote.

NM_004994.3(MMP9):c.878T>A (p.Ile293Asn)

Gene: MMP9 (matrix metallopeptidase 9; plus strand). Cytogenetic location: 20q13.12.
Variant type: single nucleotide variant.
Coding change: c.878T>A on transcript NM_004994.3 (MANE Select); coding-DNA position 878, T replaced by A.
Protein change: p.Ile293Asn; replaces isoleucine 293 with asparagine.
Molecular consequence: missense variant.
Genome position (GRCh38, 1-based): chr20:46,011,628, T>A. VCF-style: chr20-46011628-T-A. GRCh37 (hg19) VCF-style: chr20-44640267-T-A.
Other names: short protein forms I293N.
Identifiers: ClinVar variation 338551 (VCV000338551.15), dbSNP rs201975453, ClinGen allele CA9886554.
Genomic context (GRCh38, chr20:46,011,628, plus strand): 5'-CCCCAGGACTCTACACCCAGGACGGCAATGCTGATGGGAAACCCTGCCAGTTTCCATTCA[T>A]CTTCCAAGGCCAATCCTACTCCGCCTGCACCACGGACGGTCGCTCCGACGGCTACCGCTG-3'
Protein context (NP_004985.2, residues 283-303): ADGKPCQFPF[Ile293Asn]FQGQSYSACT